The following is an entry in ClinVar:

ClinVar aggregate classification (germline): Uncertain significance (1 of 4 stars; one submission).

Conditions:
TMEM67-related disorder. Also called: TMEM67-related disorders; TMEM67-related condition. Identifiers: MedGen CN239423.

Submission:

PreventionGenetics, part of Exact Sciences
Classification: Uncertain significance for TMEM67-related condition. Last evaluated: 2024-10-16. Review status: criteria provided, single submitter. Criteria: ACMG Guidelines, 2015. Collection method: clinical testing. Allele origin: germline.
Comment: The TMEM67 c.2887C>G variant is predicted to result in the amino acid substitution p.Leu963Val. To our knowledge, this variant has not been reported in the literature or in a large population database (gnomAD), indicating this variant is rare. At this time, the clinical significance of this variant is uncertain due to the absence of conclusive functional and genetic evidence.

NM_153704.6(TMEM67):c.2887C>G (p.Leu963Val)

Gene: TMEM67 (transmembrane protein 67; plus strand). Cytogenetic location: 8q22.1.
Variant type: single nucleotide variant.
Coding change: c.2887C>G on transcript NM_153704.6 (MANE Select); coding-DNA position 2887, C replaced by G.
Protein change: p.Leu963Val; replaces leucine 963 with valine.
Molecular consequence: missense variant. On other transcripts: non-coding transcript variant (1).
Genome position (GRCh38, 1-based): chr8:93,815,427, C>G. VCF-style: chr8-93815427-C-G. GRCh37 (hg19) VCF-style: chr8-94827655-C-G.
Other names: c.2644C>G, p.Leu882Val (NM_001142301.1); short protein forms L882V, L963V.
Identifiers: ClinVar variation 5002635 (VCV005002635.1).